The following is an entry in ClinVar:

NM_001145809.2(MYH14):c.491G>C (p.Gly164Ala)

Gene: MYH14 (myosin heavy chain 14; plus strand). Cytogenetic location: 19q13.33.
Variant type: single nucleotide variant.
Coding change: c.491G>C on transcript NM_001145809.2 (MANE Select); coding-DNA position 491, G replaced by C.
Protein change: p.Gly164Ala; replaces glycine 164 with alanine.
Molecular consequence: missense variant.
Genome position (GRCh38, 1-based): chr19:50,217,700, G>C. VCF-style: chr19-50217700-G-C. GRCh37 (hg19) VCF-style: chr19-50720957-G-C.
Other names: c.491G>C, p.Gly164Ala (NM_001077186.2, NM_024729.4); short protein forms G164A.
Identifiers: ClinVar variation 1034065 (VCV001034065.1), dbSNP rs774773452, ClinGen allele CA309570266.

ClinVar aggregate classification (germline): Uncertain significance (1 of 4 stars; one submission).

Conditions:
Autosomal dominant nonsyndromic hearing loss 4A. Also called: Deafness, autosomal dominant 4A. Identifiers: Orphanet 90635, MedGen C1833503, MONDO:0010915, OMIM 600652.

Allele frequency attached by ClinVar (database versions not stated): gnomAD exomes 0.00002; TOPMed 0.00003.
gnomAD v4.1: 10 of 1,613,998 alleles (0.00062%); highest among the groups gnomAD compares: Admixed American, 0.0067%; no homozygotes.

Submission:

Baylor Genetics
Classification: Uncertain significance for Autosomal dominant nonsyndromic hearing loss 4A. Last evaluated: 2018-11-02. Review status: criteria provided, single submitter. Criteria: ACMG Guidelines, 2015. Collection method: clinical testing. Allele origin: paternal. Affected: yes.
Comment: This variant was determined to be of uncertain significance according to ACMG Guidelines, 2015 [PMID:25741868].